The following is an entry in ClinVar:

ClinVar aggregate classification (germline): Pathogenic (1 of 4 stars; one submission).

Submission:

Labcorp Genetics (formerly Invitae), Labcorp
Classification: Pathogenic. Last evaluated: 2020-01-03. Review status: criteria provided, single submitter. Criteria: Invitae Variant Classification Sherloc (09022015). Collection method: clinical testing. Allele origin: germline.
Comment: This variant is an out-of-frame deletion of the genomic region encompassing exon(s) 2 of the RS1 gene. This is expected to create a premature translational stop signal and result in an absent or disrupted protein product. This variant has been observed in individual(s) with clinical features of X-linked juvenile retinoschisis (PMID: 22382802, 27997221, 29902095). It has also been observed to segregate with disease in related individuals. Loss-of-function variants in RS1 are known to be pathogenic (PMID: 9618178, 17172462). For these reasons, this variant has been classified as Pathogenic.

Literature cited by the submitters: PubMed 27997221; PubMed 22382802; PubMed 29902095.

NC_000023.11:g.(?_18657640)_(18657665_?)del

Gene: RS1 (retinoschisin 1; minus strand). Cytogenetic location: Xp22.13.
Variant type: Deletion.
Identifiers: ClinVar variation 830667 (VCV000830667.1).